The following is an entry in ClinVar:

NM_000051.4(ATM):c.1693G>A (p.Glu565Lys)

Gene: ATM (ATM serine/threonine kinase; plus strand). Cytogenetic location: 11q22.3.
Variant type: single nucleotide variant.
Coding change: c.1693G>A on transcript NM_000051.4 (MANE Select); coding-DNA position 1693, G replaced by A.
Protein change: p.Glu565Lys; replaces glutamic acid 565 with lysine.
Molecular consequence: missense variant.
Genome position (GRCh38, 1-based): chr11:108,251,922, G>A. VCF-style: chr11-108251922-G-A. GRCh37 (hg19) VCF-style: chr11-108122649-G-A.
Other names: c.1693G>A, p.Glu565Lys (NM_001351834.2); short protein forms E565K.
Identifiers: ClinVar variation 961449 (VCV000961449.11), dbSNP rs2080171822, ClinGen allele CA382535217.

ClinVar aggregate classification (germline): Uncertain significance. Review status: criteria provided, multiple submitters, no conflicts (2 of 4 stars). 2 submissions from 2 submitters: Uncertain significance (2). Last evaluated 2023-09-09.

Conditions:
Ataxia-telangiectasia syndrome (AT). Also called: AT, COMPLEMENTATION GROUP C; Ataxia telangiectasia (A-T); Cerebello-oculocutaneous telangiectasia; Immunodeficiency with ataxia telangiectasia; LOUIS-BAR SYNDROME; Ataxia-telangiectasia. Identifiers: Orphanet 100, MedGen C0004135, MONDO:0008840, OMIM 208900.
Hereditary cancer-predisposing syndrome. Also called: Hereditary neoplastic syndrome; Tumor predisposition; Neoplastic Syndromes, Hereditary; Hereditary Cancer Syndrome. Identifiers: Orphanet 140162, MedGen C0027672, MeSH D009386, MONDO:0015356.

Submissions (2):

Ambry Genetics
Classification: Uncertain significance for Hereditary cancer-predisposing syndrome. Last evaluated: 2023-09-09. Review status: criteria provided, single submitter. Criteria: Ambry Variant Classification Scheme 2023. Collection method: clinical testing. Allele origin: germline.
Comment: The p.E565K variant (also known as c.1693G>A), located in coding exon 10 of the ATM gene, results from a G to A substitution at nucleotide position 1693. The glutamic acid at codon 565 is replaced by lysine, an amino acid with similar properties. This amino acid position is not well conserved in available vertebrate species. In addition, the in silico prediction for this alteration is inconclusive. Since supporting evidence is limited at this time, the clinical significance of this alteration remains unclear.

Labcorp Genetics (formerly Invitae), Labcorp
Classification: Uncertain significance for Ataxia-telangiectasia syndrome. Last evaluated: 2019-10-28. Review status: criteria provided, single submitter. Criteria: Invitae Variant Classification Sherloc (09022015). Collection method: clinical testing. Allele origin: germline.
Comment: This sequence change replaces glutamic acid with lysine at codon 565 of the ATM protein (p.Glu565Lys). The glutamic acid residue is moderately conserved and there is a small physicochemical difference between glutamic acid and lysine. This variant is not present in population databases (ExAC no frequency). This variant has not been reported in the literature in individuals with ATM-related conditions. Algorithms developed to predict the effect of missense changes on protein structure and function (SIFT, PolyPhen-2, Align-GVGD) all suggest that this variant is likely to be tolerated, but these predictions have not been confirmed by published functional studies and their clinical significance is uncertain. In summary, the available evidence is currently insufficient to determine the role of this variant in disease. Therefore, it has been classified as a Variant of Uncertain Significance.